The following is an entry in ClinVar:

NM_001399.5(EDA):c.228_234delinsAA (p.Leu78fs)

Gene: EDA (ectodysplasin A; plus strand). Cytogenetic location: Xq13.1.
Variant type: Indel.
Coding change: c.228_234delinsAA on transcript NM_001399.5 (MANE Select); coding-DNA positions 228 to 234, CCGCCTT replaced by AA.
Protein change: p.Leu78fs; shifts the reading frame from leucine 78.
Molecular consequence: frameshift variant.
Genome position (GRCh38, 1-based): chrX:69,616,536-69,616,542, CCGCCTT replaced by AA. VCF-style: chrX-69616536-CCGCCTT-AA. GRCh37 (hg19) VCF-style: chrX-68836380-CCGCCTT-AA.
Other names: c.228_234delinsAA, p.Leu78fs (NM_001005609.2, NM_001005610.4, NM_001005612.3 and 1 more transcripts); short protein forms L78fs.
Identifiers: ClinVar variation 458654 (VCV000458654.8), dbSNP rs1555972067, ClinGen allele CA658659012.

ClinVar aggregate classification (germline): Pathogenic (1 of 4 stars; one submission).

Conditions:
Hypohidrotic X-linked ectodermal dysplasia (XHED). Also called: Ectodermal Dysplasia 1, Anhidrotic; ECTODERMAL DYSPLASIA, HYPOHIDROTIC, 1; CST SYNDROME; ECTODERMAL DYSPLASIA 1; Christ-Siemans-Touraine syndrome; Anhidrotic ectodermal dysplasia X-linked. Identifiers: Orphanet 181, Orphanet 238468, MedGen C0162359, MONDO:0010585, OMIM 305100.

Submission:

Labcorp Genetics (formerly Invitae), Labcorp
Classification: Pathogenic for Hypohidrotic X-linked ectodermal dysplasia. Last evaluated: 2021-08-24. Review status: criteria provided, single submitter. Criteria: Invitae Variant Classification Sherloc (09022015). Collection method: clinical testing. Allele origin: germline.
Comment: This sequence change creates a premature translational stop signal (p.Leu78Argfs*20) in the EDA gene. It is expected to result in an absent or disrupted protein product. Loss-of-function variants in EDA are known to be pathogenic (PMID: 9683615). The frequency data for this variant in the population databases is not available, as this variant may be reported as separate entries in the ExAC database. This premature translational stop signal has been observed in individual(s) with ectodermal dysplasia (Invitae). For these reasons, this variant has been classified as Pathogenic.

Literature cited by the submitters: PubMed 9683615.